The following is an entry in ClinVar:

NM_000352.6(ABCC8):c.3203C>T (p.Thr1068Met)

Gene: ABCC8 (ATP binding cassette subfamily C member 8; minus strand). Cytogenetic location: 11p15.1.
Variant type: single nucleotide variant.
Coding change: c.3203C>T on transcript NM_000352.6 (MANE Select); coding-DNA position 3203, C replaced by T.
Protein change: p.Thr1068Met; replaces threonine 1068 with methionine.
Molecular consequence: missense variant. On other transcripts: non-coding transcript variant (1).
Genome position (GRCh38, 1-based): chr11:17,406,748, G>A on the plus strand (C>T on the coding strand, the complement: ABCC8 is on the minus strand). VCF-style: chr11-17406748-G-A. GRCh37 (hg19) VCF-style: chr11-17428295-G-A.
Other names: c.3206C>T, p.Thr1069Met (NM_001287174.3); c.3269C>T, p.Thr1090Met (NM_001351295.2); c.3203C>T, p.Thr1068Met (NM_001351296.2); c.3200C>T, p.Thr1067Met (NM_001351297.2); short protein forms T1068M, T1069M, T1067M, T1090M.
Identifiers: ClinVar variation 585344 (VCV000585344.50), dbSNP rs139524121, ClinGen allele CA5902886.
Genomic context (GRCh38, chr11:17,406,748, plus strand): 5'-GTCCACTCCACAGTGACAGACGTGACGAGGCACAGCACAATGCCCAGGCTGCAGAGCACC[G>A]TGAACACCATGGCATAGACAGTCTGGTCGAGGGTGCACTCCTTCACAGGCAGAGAGTGAT-3'
Protein context (NP_000343.2, residues 1058-1078): LDQTVYAMVF[Thr1068Met]VLCSLGIVLC

ClinVar aggregate classification (germline): Conflicting classifications of pathogenicity. Review status: criteria provided, conflicting classifications (1 of 4 stars). 12 submissions from 10 submitters: Uncertain significance (8); Benign (1); Likely benign (3). Last evaluated 2026-04-21.

Conditions:
ABCC8-related disorder.
Diabetes mellitus, transient neonatal, 2 (TNDM2). Identifiers: Orphanet 99886, MedGen C1835887, MONDO:0012480, OMIM 610374. Disease mechanism: loss of function.
Hyperinsulinemic hypoglycemia, familial, 1 (HHF1). Also called: Persistent hyperinsulinemic hypoglycemia of infancy; Persistent Hyperinsulinemia Hypoglycemia of Infancy; HYPERINSULINISM, FAMILIAL, WITH PANCREATIC NESIDIOBLASTOSIS; HYPOGLYCEMIA, HYPERINSULINEMIC, OF INFANCY; NESIDIOBLASTOSIS OF PANCREAS. Identifiers: Orphanet 276575, Orphanet 276598, MedGen C2931832, MONDO:0009734, OMIM 256450.
Permanent neonatal diabetes mellitus (PNDM). Identifiers: Orphanet 99885, MedGen C1833104, MONDO:0100164, MONDO:0011643. Disease mechanism: gain of function.
Pulmonary arterial hypertension. Identifiers: Orphanet 182090, MedGen C2973725, MeSH D000081029, MONDO:0015924, HP:0002092.

Allele frequency attached by ClinVar (database versions not stated): gnomAD exomes 0.00011 and 0.00022; ExAC 0.00034; gnomAD 0.00092 and 0.00102; 1000 Genomes Project 0.00100; 1000 Genomes Project 30x 0.00109; ESP Exome Variant Server 0.00116; TOPMed 0.00122.
gnomAD v4.1: 299 of 1,614,212 alleles (0.019%); highest among the groups gnomAD compares: African/African-American, 0.32%; 1 homozygote.

Submissions (12):

PreventionGenetics, part of Exact Sciences
Classification: Uncertain significance for ABCC8-related condition. Last evaluated: 2026-04-21. Review status: criteria provided, single submitter. Criteria: ACMG Guidelines, 2015. Collection method: clinical testing. Allele origin: germline.
Comment: The ABCC8 c.3203C>T variant is predicted to result in the amino acid substitution p.Thr1068Met. This variant was reported in a study of obesity, but its clinical significance was unknown (Foucan et al. 2018. PubMed ID: 29216354). The minor allele frequency of this variant in African populations is ~0.3%, which is probably too high for this variant to be a dominant-acting pathogenic allele for MODY. Considering ABCC8 is also a causative gene for a recessive disorder (congenital hyperinsulinism), we classify it as uncertain significance due to insufficient evidence.

Labcorp Genetics (formerly Invitae), Labcorp
Classification: Likely benign. Last evaluated: 2026-01-20. Review status: criteria provided, single submitter. Criteria: Invitae Variant Classification Sherloc (09022015). Collection method: clinical testing. Allele origin: germline.

GeneDx
Classification: Uncertain significance. Last evaluated: 2025-05-14. Review status: criteria provided, single submitter. Criteria: GeneDx Variant Classification Process June 2021. Collection method: clinical testing. Allele origin: germline. Affected: yes.
Comment: Reported in a patient with obesity in published literature; however this patient was noted to have a different molecular cause for the phenotype (PMID: 29216354); In silico analysis suggests that this missense variant does not alter protein structure/function; This variant is associated with the following publications: (PMID: 35982159, 29216354)

Women's Health and Genetics/Laboratory Corporation of America, LabCorp
Classification: Uncertain significance. Last evaluated: 2024-07-12. Review status: criteria provided, single submitter. Criteria: LabCorp Variant Classification Summary - May 2015. Collection method: clinical testing. Allele origin: germline.
Comment: Variant summary: ABCC8 c.3203C>T (p.Thr1068Met) results in a non-conservative amino acid change located in the ABC transporter type 1, transmembrane domain (IPR011527) of the encoded protein sequence. Three of five in-silico tools predict a benign effect of the variant on protein function. The variant allele was found at a frequency of 0.00022 in 251452 control chromosomes, predominantly at a frequency of 0.0028 within the African or African-American subpopulation in the gnomAD database. This frequency is not significantly higher than estimated for a pathogenic variant in ABCC8 causing Familial Hyperinsulinism (0.00022 vs 0.0034), allowing no conclusion about variant significance. This report does not provide unequivocal conclusions about association of the variant with Familial Hyperinsulinism or other ABCC8-related disorders. To our knowledge, no experimental evidence demonstrating an impact on protein function has been reported. The following publication has been ascertained in the context of this evaluation (PMID: 29216354). ClinVar contains an entry for this variant (Variation ID: 585344). Based on the evidence outlined above, the variant was classified as uncertain significance.

CeGaT Center for Human Genetics Tuebingen
Classification: Uncertain significance. Last evaluated: 2023-02-01. Review status: criteria provided, single submitter. Criteria: CeGaT Center For Human Genetics Tuebingen Variant Classification Criteria Version 2. Collection method: clinical testing. Allele origin: germline. Affected: yes. Observed: 1 variant allele.

Blueprint Genetics
Classification: Uncertain significance. Last evaluated: 2022-05-05. Review status: criteria provided, single submitter. Criteria: ACMG Guidelines, 2015. Collection method: clinical testing. Allele origin: germline.

Department of Pathology and Laboratory Medicine, Sinai Health System
Classification: Uncertain significance for pulmonary arterial hypertension. Last evaluated: 2021-07-30. Review status: criteria provided, single submitter. Criteria: ACMG Guidelines, 2015. Collection method: research. Allele origin: germline.

Mendelics
Classification: Likely benign for Hyperinsulinemic hypoglycemia, familial, 1. Last evaluated: 2019-05-28. Review status: criteria provided, single submitter. Criteria: Mendelics Assertion Criteria 2017. Collection method: clinical testing. Allele origin: unknown.

Athena Diagnostics
Classification: Uncertain significance. Last evaluated: 2018-05-08. Review status: criteria provided, single submitter. Criteria: Athena Diagnostics Criteria. Collection method: clinical testing. Allele origin: germline.

Illumina Laboratory Services, Illumina
Classification: Likely benign for Permanent neonatal diabetes mellitus 1. Last evaluated: 2018-01-13. Review status: criteria provided, single submitter. Criteria: ICSL Variant Classification Criteria 13 December 2019. Collection method: clinical testing. Allele origin: germline.
Comment: This variant was observed in the ICSL laboratory as part of a predisposition screen in an ostensibly healthy population. It had not been previously curated by ICSL or reported in the Human Gene Mutation Database (HGMD: prior to June 1st, 2018), and was therefore a candidate for classification through an automated scoring system. Utilizing variant allele frequency, disease prevalence and penetrance estimates, and inheritance mode, an automated score was calculated to assess if this variant is too frequent to cause the disease. Based on the score and internal cut-off values, a variant classified as likely benign is not then subjected to further curation. The score for this variant resulted in a classification of likely benign for this disease.

Illumina Laboratory Services, Illumina
Classification: Uncertain significance for Hyperinsulinemic hypoglycemia, familial, 1. Last evaluated: 2018-01-13. Review status: criteria provided, single submitter. Criteria: ICSL Variant Classification Criteria 13 December 2019. Collection method: clinical testing. Allele origin: germline.

Illumina Laboratory Services, Illumina
Classification: Benign for Diabetes mellitus, transient neonatal, 2. Last evaluated: 2018-01-13. Review status: criteria provided, single submitter. Criteria: ICSL Variant Classification Criteria 13 December 2019. Collection method: clinical testing. Allele origin: germline.
Comment: This variant was observed in the ICSL laboratory as part of a predisposition screen in an ostensibly healthy population. It had not been previously curated by ICSL or reported in the Human Gene Mutation Database (HGMD: prior to June 1st, 2018), and was therefore a candidate for classification through an automated scoring system. Utilizing variant allele frequency, disease prevalence and penetrance estimates, and inheritance mode, an automated score was calculated to assess if this variant is too frequent to cause the disease. Based on the score and internal cut-off values, a variant classified as benign is not then subjected to further curation. The score for this variant resulted in a classification of benign for this disease.

Literature cited by the submitters: PubMed 29216354 (cited by Women's Health and Genetics/Laboratory Corporation of America, LabCorp and Athena Diagnostics).